The following is an entry in ClinVar:

ClinVar aggregate classification (germline): Likely pathogenic (1 of 4 stars; one submission).

Conditions:
X-linked Alport syndrome (ATS1). Also called: COL4A5-Related Nephropathy; NEPHROPATHY AND DEAFNESS, X-LINKED. Identifiers: Orphanet 63, Orphanet 88917, MedGen C4746986, MONDO:0010520, OMIM 301050.

Submission:

Myriad Genetics, Inc.
Classification: Likely pathogenic for X-linked Alport syndrome. Last evaluated: 2022-03-30. Review status: criteria provided, single submitter. Criteria: Myriad Women's Health Autosomal Recessive and X-Linked Classification Criteria (2021). Collection method: clinical testing. Allele origin: unknown.
Comment: NM_000495.4(COL4A5):c.3179delG(G1060Dfs*92) is expected to be pathogenic in the context of X-linked Alport syndrome. This variant is predicted to lead to an abnormal or absent protein product due to the creation of a premature termination codon in COL4A5, a gene where loss-of-function variants are known to be pathogenic. Please note: this variant was assessed in the context of healthy population screening.

NM_033380.3(COL4A5):c.3179del (p.Gly1060fs)

Gene: COL4A5 (collagen type IV alpha 5 chain; plus strand). Cytogenetic location: Xq22.3.
Variant type: Deletion.
Coding change: c.3179del on transcript NM_033380.3 (MANE Select); coding-DNA position 3179, one base deleted (G; older notation c.3179delG).
Protein change: p.Gly1060fs; shifts the reading frame from glycine 1060.
Molecular consequence: frameshift variant.
Genome position (GRCh38, 1-based): chrX:108,626,282, G deleted; the last of 2 consecutive G bases (chrX:108,626,281-108,626,282); deleting either gives the same sequence. VCF-style (leftmost placement, unchanged base first): chrX-108626280-TG-T. GRCh37 (hg19) VCF-style: chrX-107869510-TG-T.
Other names: c.3179del, p.Gly1060fs (NM_000495.5); short protein forms G1060fs.
Identifiers: ClinVar variation 1725610 (VCV001725610.2), dbSNP rs2524423431, ClinGen allele CA2580100148.